The following is an entry in ClinVar:

NM_001267550.2(TTN):c.87049G>A (p.Ala29017Thr)

Genes: TTN (titin; minus strand), TTN-AS1 (TTN antisense RNA 1; plus strand). Cytogenetic location: 2q31.2.
Variant type: single nucleotide variant.
Coding change: c.87049G>A on transcript NM_001267550.2 (MANE Select); coding-DNA position 87049, G replaced by A.
Protein change: p.Ala29017Thr; replaces alanine 29017 with threonine.
Molecular consequence: missense variant.
Genome position (GRCh38, 1-based): chr2:178,558,410, C>T on the plus strand (G>A on the coding strand, the complement: TTN is on the minus strand). VCF-style: chr2-178558410-C-T. GRCh37 (hg19) VCF-style: chr2-179423137-C-T.
Other names: c.82126G>A, p.Ala27376Thr (NM_001256850.1); c.59854G>A, p.Ala19952Thr (NM_003319.4); c.60229G>A, p.Ala20077Thr (NM_133432.3); c.60430G>A, p.Ala20144Thr (NM_133437.4); c.87049G>A (NM_001267550.1); c.79345G>A, p.Ala26449Thr (NM_133378.4); short protein forms A26449T, A29017T, A20144T, A19952T, A20077T, A27376T.
Identifiers: ClinVar variation 179683 (VCV000179683.6), dbSNP rs727505050, ClinGen allele CA184925.

ClinVar aggregate classification (germline): Uncertain significance. Review status: criteria provided, multiple submitters, no conflicts (2 of 4 stars). 2 submissions from 2 submitters: Uncertain significance (2). Last evaluated 2025-04-18.

Allele frequency attached by ClinVar (database versions not stated): gnomAD exomes below 0.00001; TOPMed 0.00001.
gnomAD v4.1: 3 of 1,613,728 alleles (0.00019%); highest among the groups gnomAD compares: Admixed American, 0.0017%; no homozygotes.

Submissions (2):

GeneDx
Classification: Uncertain significance. Last evaluated: 2025-04-18. Review status: criteria provided, single submitter. Criteria: GeneDx Variant Classification Process June 2021. Collection method: clinical testing. Allele origin: germline. Affected: yes.
Comment: Not observed at significant frequency in large population cohorts (gnomAD); Missense variant in a gene in which most reported pathogenic variants are truncating/loss of function; Has not been previously published as pathogenic or benign to our knowledge

Laboratory for Molecular Medicine, Mass General Brigham Personalized Medicine
Classification: Uncertain significance. Last evaluated: 2014-04-15. Review status: criteria provided, single submitter. Criteria: LMM Criteria. Collection method: clinical testing. Allele origin: germline. Observed: 1 variant allele.
Comment: The Ala26449Thr variant in TTN has not been previously reported in individuals w ith cardiomyopathy or in large population studies. Computational prediction tool s and conservation analysis suggest that this variant may impact the protein, th ough this information is not predictive enough to determine pathogenicity. Addit ional information is needed to fully assess the clinical significance of the Ala 26449Thr variant.